The following is an entry in ClinVar:

NM_001229.5(CASP9):c.660G>A (p.Ala220=)

Gene: CASP9 (caspase 9; minus strand). Cytogenetic location: 1p36.21.
Variant type: single nucleotide variant.
Coding change: c.660G>A on transcript NM_001229.5 (MANE Select); coding-DNA position 660, G replaced by A.
Protein change: p.Ala220=; no amino-acid change (alanine 220 retained).
Molecular consequence: synonymous variant. On other transcripts: non-coding transcript variant (2), intron variant (1).
Genome position (GRCh38, 1-based): chr1:15,506,050, C>T on the plus strand (G>A on the coding strand, the complement: CASP9 is on the minus strand). VCF-style: chr1-15506050-C-T. GRCh37 (hg19) VCF-style: chr1-15832545-C-T.
Other names: c.411G>A, p.Ala137= (NM_032996.3); c.419-10598G>A (NM_001278054.2).
Identifiers: ClinVar variation 3048458 (VCV003048458.2), dbSNP rs943374575, ClinGen allele CA18242384.

ClinVar aggregate classification (germline): Likely benign (0 of 4 stars; one submission).

Conditions:
CASP9-related disorder. Also called: CASP9-related condition.

Allele frequency attached by ClinVar (database versions not stated): TOPMed 0.00004; gnomAD 0.00005.

Submission:

PreventionGenetics, part of Exact Sciences
Classification: Likely benign for CASP9-related condition. Last evaluated: 2019-04-12. Review status: no assertion criteria provided. Collection method: clinical testing. Allele origin: germline.
Comment: This variant is classified as likely benign based on ACMG/AMP sequence variant interpretation guidelines (Richards et al. 2015 PMID: 25741868, with internal and published modifications).